The following is an entry in ClinVar:

NM_002528.7(NTHL1):c.302C>A (p.Pro101His)

Gene: NTHL1 (nth like DNA glycosylase 1; minus strand). Cytogenetic location: 16p13.3.
Variant type: single nucleotide variant.
Coding change: c.302C>A on transcript NM_002528.7 (MANE Select); coding-DNA position 302, C replaced by A.
Protein change: p.Pro101His; replaces proline 101 with histidine.
Molecular consequence: missense variant. On other transcripts: intron variant (1).
Genome position (GRCh38, 1-based): chr16:2,046,180, G>T on the plus strand (C>A on the coding strand, the complement: NTHL1 is on the minus strand). VCF-style: chr16-2046180-G-T. GRCh37 (hg19) VCF-style: chr16-2096181-G-T.
Other names: c.302C>A, p.Pro101His (NM_001318193.2); c.24+100C>A (NM_001318194.2); short protein forms P101H.
Identifiers: ClinVar variation 3922253 (VCV003922253.1).
Genomic context (GRCh38, chr16:2,046,180, plus strand): 5'-CTGCCTACCTTTGGGGGGGCACTGGAGTCATAGCAGTGCTCAGTCCCCAGATGGTCCACA[G>T]GTGCATCCTTTTTGTTCCTCATGGCACGGATGTTGACCAGCTGTTGCTGCCAGTCCTGGG-3'
Protein context (NP_002519.2, residues 91-111): IRAMRNKKDA[Pro101His]VDHLGTEHCY

ClinVar aggregate classification (germline): Uncertain significance (1 of 4 stars; one submission).

Conditions:
Hereditary cancer-predisposing syndrome. Also called: Hereditary Cancer Syndrome; Hereditary neoplastic syndrome; Neoplastic Syndromes, Hereditary; Tumor predisposition. Identifiers: Orphanet 140162, MedGen C0027672, MeSH D009386, MONDO:0015356.

Submission:

Ambry Genetics
Classification: Uncertain significance for Hereditary cancer-predisposing syndrome. Last evaluated: 2025-05-05. Review status: criteria provided, single submitter. Criteria: Ambry Variant Classification Scheme 2023. Collection method: clinical testing. Allele origin: germline.
Comment: The p.P109H variant (also known as c.326C>A), located in coding exon 2 of the NTHL1 gene, results from a C to A substitution at nucleotide position 326. The proline at codon 109 is replaced by histidine, an amino acid with similar properties. This amino acid position is conserved. In addition, this alteration is predicted to be deleterious by in silico analysis. Based on the available evidence, the clinical significance of this variant remains unclear.